The following is an entry in ClinVar:

NM_002291.3(LAMB1):c.452A>G (p.Glu151Gly)

Gene: LAMB1 (laminin subunit beta 1; minus strand). Cytogenetic location: 7q31.1.
Variant type: single nucleotide variant.
Coding change: c.452A>G on transcript NM_002291.3 (MANE Select); coding-DNA position 452, A replaced by G.
Protein change: p.Glu151Gly; replaces glutamic acid 151 with glycine.
Molecular consequence: missense variant.
Genome position (GRCh38, 1-based): chr7:107,986,335, T>C on the plus strand (A>G on the coding strand, the complement: LAMB1 is on the minus strand). VCF-style: chr7-107986335-T-C. GRCh37 (hg19) VCF-style: chr7-107626780-T-C.
Other names: short protein forms E151G.
Identifiers: ClinVar variation 931301 (VCV000931301.3), dbSNP rs745500256, ClinGen allele CA368883420.

ClinVar aggregate classification (germline): Uncertain significance (1 of 4 stars; one submission).

Conditions:
Cobblestone lissencephaly without muscular or ocular involvement. Also called: LEUKOENCEPHALOPATHY WITH VARIABLE CORTICAL BRAIN MALFORMATIONS AND/OR HYDROCEPHALUS; Lissencephaly 5. Identifiers: Orphanet 352682, MedGen C3554657, MONDO:0014077, OMIM 615191.

Submission:

Centre for Mendelian Genomics, University Medical Centre Ljubljana
Classification: Uncertain significance for Cobblestone lissencephaly without muscular or ocular involvement. Last evaluated: 2018-10-29. Review status: criteria provided, single submitter. Criteria: ACMG Guidelines, 2015. Collection method: clinical testing. Allele origin: unknown. Affected: yes.
Comment: This variant was classified as: Uncertain significance. The available evidence on this variant's pathogenicity is insufficient or conflicting. The following ACMG criteria were applied in classifying this variant: PM2,PP3.